The following is an entry in ClinVar:

ClinVar aggregate classification (germline): Pathogenic. Review status: criteria provided, multiple submitters, no conflicts (2 of 4 stars). 2 submissions from 2 submitters: Pathogenic (2). Last evaluated 2023-08-24.

Conditions:
Glutaric aciduria, type 1. Also called: Glutaricaciduria, type I; Glutaric Acidemia Type 1; Glutaryl-CoA dehydrogenase deficiency; Glutaric acidemia type I; Glutaricacidemia Type 1; GA I. Identifiers: Orphanet 25, MedGen C0268595, MONDO:0009281, OMIM 231670.

Submissions (2):

Labcorp Genetics (formerly Invitae), Labcorp
Classification: Pathogenic for Glutaric aciduria, type 1. Last evaluated: 2023-08-24. Review status: criteria provided, single submitter. Criteria: Invitae Variant Classification Sherloc (09022015). Collection method: clinical testing. Allele origin: germline.
Comment: For these reasons, this variant has been classified as Pathogenic. This variant has not been reported in the literature in individuals affected with GCDH-related conditions. This variant is not present in population databases (gnomAD no frequency). This sequence change creates a premature translational stop signal (p.Glu181Alafs*6) in the GCDH gene. It is expected to result in an absent or disrupted protein product. Loss-of-function variants in GCDH are known to be pathogenic (PMID: 10699052, 11854167, 16602100).

Lifecell International Pvt. Ltd
Classification: Pathogenic for Glutaric aciduria, type 1. Review status: criteria provided, single submitter. Criteria: ACMG Guidelines, 2015. Collection method: clinical testing. Allele origin: germline. Inheritance: Autosomal recessive inheritance. Affected: yes. Observed: 1 homozygote.
Comment: A Homozygote Frameshift variant c.540_541delAG in Exon 7 of the GCDH gene that results in the amino acid substitution p.Glu181fs*6 was identified. The observed variant has a minor allele frequency of 0.000% in gnomAD exomes and genomes, respectively. The severity of the impact of this variant on the protein is high, based on the effect of the protein and REVEL score. Rare Exome Variant Ensemble Learner (REVEL) is an ensembl method for predicting the pathogenicity of missense variants based on a combination of scores from 13 individual tools: MutPred, FATHMM v2.3, VEST 3.0, PolyPhen-2, SIFT, PROVEAN, MutationAssessor, MutationTaster, LRT, GERP++, SiPhy, phyloP, and phastCons. The REVEL score for an individual missense variant can range from 0 to 1, with higher scores reflecting greater likelihood that the variant is disease-causing. The variant has been reported to ClinVar as Pathogenic with a status of (1 stars) criteria provided, single submitter (Variation ID 1381918 as of 2022-03-28). This sequence change creates a premature translational stop signal (p.Glu181Alafs*6) in the GCDH gene. It is expected to result in an absent or disrupted protein product. Loss-of-function variants in GCDH are known to be pathogenic (Zschocke, J et al, 2000; Koeller, David M et al, 2002). Based on the above evidence this variant has been classified as Pathogenic according to the ACMG guidelines.

Literature cited by the submitters: PubMed 10699052 (cited by Labcorp Genetics (formerly Invitae), Labcorp and Lifecell International Pvt. Ltd); PubMed 11854167 (cited by Labcorp Genetics (formerly Invitae), Labcorp and Lifecell International Pvt. Ltd); PubMed 16602100 (cited by Labcorp Genetics (formerly Invitae), Labcorp).

NM_000159.4(GCDH):c.542_543del (p.Glu181fs)

Gene: GCDH (glutaryl-CoA dehydrogenase; plus strand). Cytogenetic location: 19p13.13.
Variant type: Microsatellite.
Coding change: c.542_543del on transcript NM_000159.4 (MANE Select); coding-DNA positions 542 to 543, 2 bases deleted (AG; older notation c.542_543delAG).
Protein change: p.Glu181fs; shifts the reading frame from glutamic acid 181.
Molecular consequence: frameshift variant. On other transcripts: non-coding transcript variant (2).
Genome position (GRCh38, 1-based): chr19:12,896,028-12,896,029, AG deleted; deleting any 2 consecutive bases within chr19:12,896,026-12,896,029 gives the same sequence; the c. name uses the placement nearest the transcript's 3' end. VCF-style (leftmost placement, unchanged base first): chr19-12896025-CAG-C. GRCh37 (hg19) VCF-style: chr19-13006839-CAG-C.
Other names: c.540_541delAG (NM_000159.4); c.542_543del, p.Glu181fs (NM_013976.5); short protein forms E181fs.
Identifiers: ClinVar variation 1381918 (VCV001381918.7), dbSNP rs2145950197, ClinGen allele CA2580613064.
Genomic context (GRCh38, chr19:12,896,025, plus strand): 5'-CCTTGTGACTTTGTCTTGTGCCTGCAGCCAAGGGGGAGCTCCTGGGCTGCTTCGGGCTCA[CAG>C]AGCCCAACAGCGGAAGTGACCCCAGCAGCATGGAGACCAGAGCCCACTACAACTCATCCA-3'